The following is an entry in ClinVar:

NM_001042492.3(NF1):c.7063-7_7063-2del

Gene: NF1 (neurofibromin 1; plus strand). Cytogenetic location: 17q11.2.
Variant type: Deletion.
Coding change: c.7063-7_7063-2del on transcript NM_001042492.3 (MANE Select); 7 bases into the intron before coding-DNA position 7063 through the canonical splice acceptor site of the intron before coding-DNA position 7063, 6 bases deleted (TTAATA; older notation c.7063-7_7063-2delTTAATA).
Molecular consequence: splice acceptor variant.
Genome position (GRCh38, 1-based): chr17:31,343,002-31,343,007, TTAATA deleted. VCF-style (leftmost placement, unchanged base first): chr17-31343001-TTTAATA-T. GRCh37 (hg19) VCF-style: chr17-29670019-TTTAATA-T.
Other names: c.7000-7_7000-2del (NM_000267.4).
Identifiers: ClinVar variation 2045190 (VCV002045190.4), dbSNP rs2508779274, ClinGen allele CA2580093233.
Genomic context (GRCh38, chr17:31,343,001, plus strand): 5'-ATTAAGTGAGCCTTTAAAGAAAGCTACTGTGTGAACCTCATCAACCATCTCATGATTATC[TTTAATA>T]GAGTCCAGAGGAAGTATTTATGGCAATCCGGAATCCTCTGGAGTGGCACTGCAAGCAAAT-3'

ClinVar aggregate classification (germline): Likely pathogenic (1 of 4 stars; one submission).

Conditions:
Neurofibromatosis, type 1 (NF1). Also called: Neurofibromatosis, type I; NEUROFIBROMATOSIS, TYPE I, SOMATIC; Peripheral type neurofibromatosis; VON RECKLINGHAUSEN DISEASE. Identifiers: Orphanet 636, MedGen C0027831, MONDO:0018975, OMIM 162200. Disease mechanism: loss of function.

Submission:

Labcorp Genetics (formerly Invitae), Labcorp
Classification: Likely pathogenic for Neurofibromatosis, type 1. Last evaluated: 2025-01-01. Review status: criteria provided, single submitter. Criteria: Invitae Variant Classification Sherloc (09022015). Collection method: clinical testing. Allele origin: germline.
Comment: This sequence change affects a splice site in intron 46 of the NF1 gene. RNA analysis indicates that disruption of this splice site induces altered splicing and may result in an absent or altered protein product. This variant is not present in population databases (gnomAD no frequency). This variant has not been reported in the literature in individuals affected with NF1-related conditions. ClinVar contains an entry for this variant (Variation ID: 2045190). Studies have shown that disruption of this splice site results in skipping of exon 47 and an activation of a cryptic splice site, and produces a non-functional protein and/or introduces a premature termination codon (internal data). In summary, the currently available evidence indicates that the variant is pathogenic, but additional data are needed to prove that conclusively. Therefore, this variant has been classified as Likely Pathogenic.